The following is an entry in ClinVar:

ClinVar aggregate classification (germline): Uncertain significance (1 of 4 stars; one submission).

Allele frequency attached by ClinVar (database versions not stated): ExAC 0.00005; ESP Exome Variant Server 0.00023.

Submission:

Labcorp Genetics (formerly Invitae), Labcorp
Classification: Uncertain significance. Last evaluated: 2024-12-02. Review status: criteria provided, single submitter. Criteria: Invitae Variant Classification Sherloc (09022015). Collection method: clinical testing. Allele origin: germline.
Comment: This sequence change replaces arginine, which is basic and polar, with histidine, which is basic and polar, at codon 103 of the IFNAR1 protein (p.Arg103His). This variant is present in population databases (rs139080170, gnomAD 0.01%). This variant has not been reported in the literature in individuals affected with IFNAR1-related conditions. ClinVar contains an entry for this variant (Variation ID: 2075545). An algorithm developed to predict the effect of missense changes on protein structure and function (PolyPhen-2) suggests that this variant is likely to be disruptive. In summary, the available evidence is currently insufficient to determine the role of this variant in disease. Therefore, it has been classified as a Variant of Uncertain Significance.

NM_000629.3(IFNAR1):c.308G>A (p.Arg103His)

Gene: IFNAR1 (interferon alpha and beta receptor subunit 1; plus strand). Cytogenetic location: 21q22.11.
Variant type: single nucleotide variant.
Coding change: c.308G>A on transcript NM_000629.3 (MANE Select); coding-DNA position 308, G replaced by A.
Protein change: p.Arg103His; replaces arginine 103 with histidine.
Molecular consequence: missense variant. On other transcripts: 5 prime UTR variant (2).
Genome position (GRCh38, 1-based): chr21:33,341,106, G>A. VCF-style: chr21-33341106-G-A. GRCh37 (hg19) VCF-style: chr21-34713412-G-A.
Other names: c.308G>A, p.Arg103His (NM_001384498.1, NM_001384499.1, NM_001384501.1 and 1 more transcripts); c.-479G>A (NM_001384500.1); c.-155G>A (NM_001384502.1); c.101G>A, p.Arg34His (NM_001384504.1); short protein forms R103H, R34H.
Identifiers: ClinVar variation 2075545 (VCV002075545.2), dbSNP rs139080170, ClinGen allele CA10006452.
Genomic context (GRCh38, chr21:33,341,106, plus strand): 5'-CTAGTACCAAATGCAACTTTTCTTCACTCAAGCTGAATGTTTATGAAGAAATTAAATTGC[G>A]TATAAGAGCAGAAAAAGAAAACACTTCTTCATGGTATGAGGTTGACTCATTTACACCATT-3'
Protein context (NP_000620.2, residues 93-113): KLNVYEEIKL[Arg103His]IRAEKENTSS